The following is an entry in ClinVar:

ClinVar aggregate classification (germline): Pathogenic/Likely pathogenic. Review status: criteria provided, multiple submitters, no conflicts (2 of 4 stars). 2 submissions from 2 submitters: Pathogenic (1); Likely pathogenic (1). Last evaluated 2026-01-20.

Conditions:
Tuberous sclerosis 1 (TSC1). Identifiers: Orphanet 805, MedGen C1854465, MONDO:0008612, OMIM 191100.

Submissions (2):

Variantyx, Inc.
Classification: Likely pathogenic for Tuberous sclerosis 1. Last evaluated: 2026-01-20. Review status: criteria provided, single submitter. Criteria: Variantyx Assertion Criteria 2022. Collection method: clinical testing. Allele origin: germline. Inheritance: Autosomal recessive inheritance. Affected: yes.
Comment: This is a nonsense variant in the TSC1 gene (OMIM: 605284). Pathogenic variants in this gene have been associated with autosomal dominant tuberous sclerosis 1. This variant introduces a premature termination codon in exon 4 out of 23 and is expected to result in loss of function, which is a known disease mechanism for TSC1 in this disorder (PMID: 10227394) (PVS1). This variant is absent from control populations (PM2). Based on the current evidence, this variant is classified as likely pathogenic for autosomal dominant tuberous sclerosis 1.

Labcorp Genetics (formerly Invitae), Labcorp
Classification: Pathogenic for Tuberous sclerosis 1. Last evaluated: 2022-12-04. Review status: criteria provided, single submitter. Criteria: Invitae Variant Classification Sherloc (09022015). Collection method: clinical testing. Allele origin: germline.
Comment: This sequence change creates a premature translational stop signal (p.Tyr48*) in the TSC1 gene. It is expected to result in an absent or disrupted protein product. Loss-of-function variants in TSC1 are known to be pathogenic (PMID: 10227394, 17304050). This variant is not present in population databases (gnomAD no frequency). This variant has not been reported in the literature in individuals affected with TSC1-related conditions. For these reasons, this variant has been classified as Pathogenic.

Literature cited by the submitters: PubMed 10227394 (cited by Variantyx, Inc. and Labcorp Genetics (formerly Invitae), Labcorp); PubMed 17304050 (cited by Labcorp Genetics (formerly Invitae), Labcorp).

NM_000368.5(TSC1):c.144T>G (p.Tyr48Ter)

Gene: TSC1 (TSC complex subunit 1; minus strand). Cytogenetic location: 9q34.13.
Variant type: single nucleotide variant.
Coding change: c.144T>G on transcript NM_000368.5 (MANE Select); coding-DNA position 144, T replaced by G.
Protein change: p.Tyr48Ter; replaces tyrosine 48 with a stop codon.
Molecular consequence: nonsense. On other transcripts: 5 prime UTR variant (9), non-coding transcript variant (4), intron variant (9).
Genome position (GRCh38, 1-based): chr9:132,927,267, A>C on the plus strand (T>G on the coding strand, the complement: TSC1 is on the minus strand). VCF-style: chr9-132927267-A-C. GRCh37 (hg19) VCF-style: chr9-135802654-A-C.
Other names: c.144T>G, p.Tyr48Ter (NM_001162426.2, NM_001162427.2, NM_001406592.1 and 21 more transcripts); c.-312T>G (NM_001406624.1, NM_001406616.1); c.-734T>G (NM_001406626.1, NM_001406627.1, NM_001406628.1); c.-876T>G (NM_001406629.1); c.-950T>G (NM_001406630.1); c.-153-1528T>G (NM_001406620.1, NM_001406618.1); c.-154+1500T>G (NM_001406625.1, NM_001406621.1, NM_001406617.1 and 3 more transcripts); c.-246+1500T>G (NM_001406614.1); and 1 more; short protein forms Y48*.
Identifiers: ClinVar variation 2818555 (VCV002818555.3), dbSNP rs2132269028, ClinGen allele CA375375161.